The following is an entry in ClinVar:

ClinVar aggregate classification (germline): Uncertain significance (1 of 4 stars; one submission).

Submission:

Labcorp Genetics (formerly Invitae), Labcorp
Classification: Uncertain significance. Last evaluated: 2025-03-25. Review status: criteria provided, single submitter. Criteria: Invitae Variant Classification Sherloc (09022015). Collection method: clinical testing. Allele origin: germline.
Comment: This sequence change replaces arginine, which is basic and polar, with serine, which is neutral and polar, at codon 564 of the HACE1 protein (p.Arg564Ser). This variant is not present in population databases (gnomAD no frequency). This variant has not been reported in the literature in individuals affected with HACE1-related conditions. Invitae Evidence Modeling of protein sequence and biophysical properties (such as structural, functional, and spatial information, amino acid conservation, physicochemical variation, residue mobility, and thermodynamic stability) indicates that this missense variant is not expected to disrupt HACE1 protein function with a negative predictive value of 80%. Algorithms developed to predict the effect of sequence changes on RNA splicing suggest that this variant may disrupt the consensus splice site. In summary, the available evidence is currently insufficient to determine the role of this variant in disease. Therefore, it has been classified as a Variant of Uncertain Significance.

NM_020771.4(HACE1):c.1692G>C (p.Arg564Ser)

Gene: HACE1 (HECT domain and ankyrin repeat containing E3 ubiquitin protein ligase 1; minus strand). Cytogenetic location: 6q16.3.
Variant type: single nucleotide variant.
Coding change: c.1692G>C on transcript NM_020771.4 (MANE Select); coding-DNA position 1692, G replaced by C.
Protein change: p.Arg564Ser; replaces arginine 564 with serine.
Molecular consequence: missense variant. On other transcripts: non-coding transcript variant (7).
Genome position (GRCh38, 1-based): chr6:104,777,097, C>G on the plus strand (G>C on the coding strand, the complement: HACE1 is on the minus strand). VCF-style: chr6-104777097-C-G. GRCh37 (hg19) VCF-style: chr6-105224972-C-G.
Other names: c.1560G>C, p.Arg520Ser (NM_001321080.2); c.1590G>C, p.Arg530Ser (NM_001321083.2); c.1188G>C, p.Arg396Ser (NM_001321084.2, NM_001350557.2, NM_001350558.2); c.1458G>C, p.Arg486Ser (NM_001350554.2); c.1401G>C, p.Arg467Ser (NM_001350555.2); c.1206G>C, p.Arg402Ser (NM_001350556.2); c.1110G>C, p.Arg370Ser (NM_001350559.2); c.909G>C, p.Arg303Ser (NM_001350560.2); short protein forms R402S, R467S, R370S, R486S, R520S, R530S, R564S, R303S.
Identifiers: ClinVar variation 4702920 (VCV004702920.1).